The following is an entry in ClinVar:

ClinVar aggregate classification (germline): Benign/Likely benign. Review status: criteria provided, multiple submitters, no conflicts (2 of 4 stars). 9 submissions from 7 submitters: Benign (4); Likely benign (2). 3 of the submissions do not count toward it. Last evaluated 2026-02-01.

Conditions:
Pseudoxanthoma elasticum, forme fruste. Also called: PSEUDOXANTHOMA ELASTICUM, HETEROZYGOUS; Pseudoxanthoma Elasticum, Incomplete. Identifiers: Orphanet 758, MedGen C1867450, MONDO:0008333, OMIM 177850.
Autosomal recessive inherited pseudoxanthoma elasticum (PXE). Identifiers: Orphanet 758, MedGen CN032334, MONDO:0009925, OMIM 264800.
Arterial calcification, generalized, of infancy, 2. Identifiers: Orphanet 51608, MedGen C3276161, MONDO:0013768, OMIM 614473.

Allele frequency attached by ClinVar (database versions not stated): ESP Exome Variant Server 0.00262; 1000 Genomes Project 30x 0.00016; 1000 Genomes Project 0.00020; TOPMed 0.00221; gnomAD exomes 0.00234; gnomAD 0.00236 and 0.00245; ExAC 0.00238.
gnomAD v4.1: 4,476 of 1,614,136 alleles (0.28%); highest among the groups gnomAD compares: Non-Finnish European, 0.32%; 5 homozygotes.

Submissions (9):

Labcorp Genetics (formerly Invitae), Labcorp
Classification: Benign. Last evaluated: 2026-02-01. Review status: criteria provided, single submitter. Criteria: Invitae Variant Classification Sherloc (09022015). Collection method: clinical testing. Allele origin: germline.

CeGaT Center for Human Genetics Tuebingen
Classification: Likely benign. Last evaluated: 2025-11-01. Review status: criteria provided, single submitter. Criteria: CeGaT Center For Human Genetics Tuebingen Variant Classification Criteria Version 2. Collection method: clinical testing. Allele origin: germline. Affected: yes. Observed: 6 variant alleles.
Comment: ABCC6: BP4, BP7

Blueprint Genetics
Classification: Likely benign. Last evaluated: 2024-11-26. Review status: criteria provided, single submitter. Criteria: ACMG Guidelines, 2015. Collection method: clinical testing. Allele origin: germline.

Genome-Nilou Lab
Classification: Benign for Arterial calcification, generalized, of infancy, 2. Last evaluated: 2021-12-05. Review status: criteria provided, single submitter. Criteria: ACMG Guidelines, 2015. Collection method: clinical testing. Allele origin: germline. Affected: no.

Genome-Nilou Lab
Classification: Benign for Autosomal recessive inherited pseudoxanthoma elasticum. Last evaluated: 2021-12-05. Review status: criteria provided, single submitter. Criteria: ACMG Guidelines, 2015. Collection method: clinical testing. Allele origin: germline. Affected: no.

Genome-Nilou Lab
Classification: Benign for Pseudoxanthoma elasticum, forme fruste. Last evaluated: 2021-12-05. Review status: criteria provided, single submitter. Criteria: ACMG Guidelines, 2015. Collection method: clinical testing. Allele origin: germline. Affected: no.

Clinical Genetics DNA and cytogenetics Diagnostics Lab, Erasmus MC, Erasmus Medical Center
Classification: Likely benign. Review status: no assertion criteria provided. Collection method: clinical testing. Allele origin: germline. Affected: yes. Study: VKGL Data-share Consensus. Not counted in ClinVar's aggregate classification.

Clinical Genetics, Academic Medical Center
Classification: Benign. Review status: no assertion criteria provided. Collection method: clinical testing. Allele origin: germline. Affected: yes. Study: VKGL Data-share Consensus. Not counted in ClinVar's aggregate classification.

Diagnostic Laboratory, Department of Genetics, University Medical Center Groningen
Classification: Likely benign. Review status: no assertion criteria provided. Collection method: clinical testing. Allele origin: germline. Affected: yes. Study: VKGL Data-share Consensus. Not counted in ClinVar's aggregate classification.

NM_001171.6(ABCC6):c.1284C>T (p.Asn428=)

Gene: ABCC6 (ATP binding cassette subfamily C member 6; minus strand). Cytogenetic location: 16p13.11.
Variant type: single nucleotide variant.
Coding change: c.1284C>T on transcript NM_001171.6 (MANE Select); coding-DNA position 1284, C replaced by T.
Protein change: p.Asn428=; no amino-acid change (asparagine 428 retained).
Molecular consequence: synonymous variant. On other transcripts: non-coding transcript variant (1).
Genome position (GRCh38, 1-based): chr16:16,198,075, G>A on the plus strand (C>T on the coding strand, the complement: ABCC6 is on the minus strand). VCF-style: chr16-16198075-G-A. GRCh37 (hg19) VCF-style: chr16-16291932-G-A.
Other names: c.942C>T, p.Asn314= (NM_001351800.1).
Identifiers: ClinVar variation 624099 (VCV000624099.58), dbSNP rs57499497, ClinGen allele CA7926378.
Genomic context (GRCh38, chr16:16,198,075, plus strand): 5'-GCATACCTGCCAGAGATAGACGAAGCAGACCACGATCCAGACGAGAGGCAGCCACAGCCC[G>A]TTGAGGTAGAGGACGCTCTCGGTCAGCCGCTGCACGTCCACGGACACCAGATTGACCACA-3'
Protein context (NP_001162.5, residues 418-438): QRLTESVLYL[Asn428=]GLWLPLVWIV